The following is an entry in ClinVar:

ClinVar aggregate classification (germline): Likely pathogenic (1 of 4 stars; one submission).

Submission:

Labcorp Genetics (formerly Invitae), Labcorp
Classification: Likely pathogenic. Last evaluated: 2018-05-31. Review status: criteria provided, single submitter. Criteria: Invitae Variant Classification Sherloc (09022015). Collection method: clinical testing. Allele origin: germline.
Comment: This sequence change replaces glycine with aspartic acid at codon 228 of the COL2A1 protein (p.Gly228Asp). The glycine residue is highly conserved and there is a moderate physicochemical difference between glycine and aspartic acid. Glycine residues within the Gly-Xaa-Yaa repeats of the triple helix domain are required for the structure and stability of fibrillar collagens (PMID: 7695699, 8218237, 19344236). In COL2A1, missense variants at these glycine residues are significantly enriched in individuals with disease (PMID: 10612821, 26443184) compared to the general population (ExAC). In summary, this variant is a novel missense change affecting a residue that is known to be critical for normal protein structure, stability and function. This type of missense change is also highly enriched in affected individuals and expected to be pathogenic. However, without additional functional and/or genetic data, this variant has been classified as Likely Pathogenic. Algorithms developed to predict the effect of missense changes on protein structure and function (SIFT, PolyPhen-2, Align-GVGD) all suggest that this variant is likely to be disruptive, but these predictions have not been confirmed by published functional studies and their clinical significance is uncertain. This variant has not been reported in the literature in individuals with COL2A1-related disease. This variant is not present in population databases (ExAC no frequency).

Literature cited by the submitters: PubMed 7695699; PubMed 8218237; PubMed 19344236; PubMed 10612821; PubMed 26443184.

NM_001844.5(COL2A1):c.683G>A (p.Gly228Asp)

Gene: COL2A1 (collagen type II alpha 1 chain; minus strand). Cytogenetic location: 12q13.11.
Variant type: single nucleotide variant.
Coding change: c.683G>A on transcript NM_001844.5 (MANE Select); coding-DNA position 683, G replaced by A.
Protein change: p.Gly228Asp; replaces glycine 228 with aspartic acid.
Molecular consequence: missense variant.
Genome position (GRCh38, 1-based): chr12:47,995,735, C>T on the plus strand (G>A on the coding strand, the complement: COL2A1 is on the minus strand). VCF-style: chr12-47995735-C-T. GRCh37 (hg19) VCF-style: chr12-48389518-C-T.
Other names: c.476G>A, p.Gly159Asp (NM_033150.3); short protein forms G159D, G228D.
Identifiers: ClinVar variation 1067209 (VCV001067209.9), dbSNP rs2136618285, ClinGen allele CA384523701.
Genomic context (GRCh38, chr12:47,995,735, plus strand): 5'-CCCCAGAGAAGGGACAGGGCCGTGCTGGTACTCACAGAGACACCAGGTTCACCAGGTTCA[C>T]CAGGATTGCCTTGAAATCCTTGAGGCCCCTAAAAAGTAAAATGAGGATACCAGGTCAATC-3'
Protein context (NP_001835.3, residues 218-238): PGPQGFQGNP[Gly228Asp]EPGEPGVSGP